The following is an entry in ClinVar:

NM_001085411.3(NADK2):c.784del (p.Ser262fs)

Gene: NADK2 (NAD kinase 2, mitochondrial; minus strand). Cytogenetic location: 5p13.2.
Variant type: Deletion.
Coding change: c.784del on transcript NM_001085411.3 (MANE Select); coding-DNA position 784, one base deleted (T; older notation c.784delT).
Protein change: p.Ser262fs; shifts the reading frame from serine 262.
Molecular consequence: frameshift variant.
Genome position (GRCh38, 1-based): chr5:36,211,920, A deleted on the plus strand (T on the coding strand, the reverse complement: NADK2 is on the minus strand). VCF-style (leftmost placement, unchanged base first): chr5-36211919-GA-G. GRCh37 (hg19) VCF-style: chr5-36212021-GA-G.
Other names: c.295del, p.Ser99fs (NM_001287340.2, NM_001287341.2, NM_153013.5); short protein forms S262fs, S99fs.
Identifiers: ClinVar variation 1447093 (VCV001447093.6), dbSNP rs2112110405, ClinGen allele CA2573139572.
Genomic context (GRCh38, chr5:36,211,919, plus strand): 5'-TCCCCAATGAAGACTTCATTTAGTGCTCTCACTGGCAGAAGTTGGGGTCCTGAAGCCTCA[GA>G]CCCTGCATGTAATTTAAGACAAAGAAAATCCAAGATAGCTCCTTGATTTCTAGAAATGTT-3'

ClinVar aggregate classification (germline): Uncertain significance (1 of 4 stars; one submission).

Conditions:
Progressive encephalopathy with leukodystrophy due to DECR deficiency. Identifiers: Orphanet 431361, MedGen C1857252, MONDO:0014464, OMIM 616034.

Submission:

Labcorp Genetics (formerly Invitae), Labcorp
Classification: Uncertain significance for Progressive encephalopathy with leukodystrophy due to DECR deficiency. Last evaluated: 2022-11-01. Review status: criteria provided, single submitter. Criteria: Invitae Variant Classification Sherloc (09022015). Collection method: clinical testing. Allele origin: germline.
Comment: This sequence change creates a premature translational stop signal (p.Ser262Leufs*11) in the NADK2 gene. It is expected to result in an absent or disrupted protein product. However, the current clinical and genetic evidence is not sufficient to establish whether loss-of-function variants in NADK2 cause disease. This variant is not present in population databases (gnomAD no frequency). In summary, the available evidence is currently insufficient to determine the role of this variant in disease. Therefore, it has been classified as a Variant of Uncertain Significance. ClinVar contains an entry for this variant (Variation ID: 1447093). This variant has not been reported in the literature in individuals affected with NADK2-related conditions.